The following is an entry in ClinVar:

NM_138459.5(NUS1):c.97T>C (p.Trp33Arg)

Gene: NUS1 (NUS1 dehydrodolichyl diphosphate synthase subunit; plus strand). Cytogenetic location: 6q22.1.
Variant type: single nucleotide variant.
Coding change: c.97T>C on transcript NM_138459.5 (MANE Select); coding-DNA position 97, T replaced by C.
Protein change: p.Trp33Arg; replaces tryptophan 33 with arginine.
Molecular consequence: missense variant.
Genome position (GRCh38, 1-based): chr6:117,675,767, T>C. VCF-style: chr6-117675767-T-C. GRCh37 (hg19) VCF-style: chr6-117996930-T-C.
Other names: short protein forms W33R.
Identifiers: ClinVar variation 1723422 (VCV001723422.4), dbSNP rs1287068904, ClinGen allele CA365535888.

ClinVar aggregate classification (germline): Uncertain significance. Review status: criteria provided, multiple submitters, no conflicts (2 of 4 stars). 2 submissions from 2 submitters: Uncertain significance (2). Last evaluated 2023-08-10.

Conditions:
Congenital disorder of glycosylation, type Iaa. Also called: Congenital disorder of glycosylation, type 1aa. Identifiers: MedGen C4310727, MONDO:0014904, OMIM 617082.

Allele frequency attached by ClinVar (database versions not stated): gnomAD exomes 0.00002.
gnomAD v4.1: 21 of 1,558,368 alleles (0.0013%); highest among the groups gnomAD compares: Non-Finnish European, 0.0018%; no homozygotes.

Submissions (2):

Labcorp Genetics (formerly Invitae), Labcorp
Classification: Uncertain significance for Congenital disorder of glycosylation, type Iaa. Last evaluated: 2023-08-10. Review status: criteria provided, single submitter. Criteria: Invitae Variant Classification Sherloc (09022015). Collection method: clinical testing. Allele origin: germline.
Comment: The frequency data for this variant in the population databases is considered unreliable, as metrics indicate poor data quality at this position in the gnomAD database. This sequence change replaces tryptophan, which is neutral and slightly polar, with arginine, which is basic and polar, at codon 33 of the NUS1 protein (p.Trp33Arg). This variant has not been reported in the literature in individuals affected with NUS1-related conditions. ClinVar contains an entry for this variant (Variation ID: 1723422). An algorithm developed to predict the effect of missense changes on protein structure and function (PolyPhen-2) suggests that this variant is likely to be disruptive. In summary, the available evidence is currently insufficient to determine the role of this variant in disease. Therefore, it has been classified as a Variant of Uncertain Significance.

Women's Health and Genetics/Laboratory Corporation of America, LabCorp
Classification: Uncertain significance. Last evaluated: 2022-10-28. Review status: criteria provided, single submitter. Criteria: LabCorp Variant Classification Summary - May 2015. Collection method: clinical testing. Allele origin: germline.
Comment: Variant summary: NUS1 c.97T>C (p.Trp33Arg) results in a non-conservative amino acid change in the encoded protein sequence. Four of five in-silico tools predict a damaging effect of the variant on protein function. The variant allele was found at a frequency of 1.9e-05 in 156528 control chromosomes (gnomAD). The available data on variant occurrences in the general population are insufficient to allow any conclusion about variant significance. To our knowledge, no occurrence of c.97T>C in individuals affected with NUS1-Related Disorders and no experimental evidence demonstrating its impact on protein function have been reported. No clinical diagnostic laboratories have submitted clinical-significance assessments for this variant to ClinVar after 2014. Based on the evidence outlined above, the variant was classified as uncertain significance.